The following is an entry in ClinVar:

NM_181507.2(HPS5):c.3122C>T (p.Thr1041Met)

Gene: HPS5 (HPS5 biogenesis of lysosomal organelles complex 2 subunit 2; minus strand). Cytogenetic location: 11p15.1.
Variant type: single nucleotide variant.
Coding change: c.3122C>T on transcript NM_181507.2 (MANE Select); coding-DNA position 3122, C replaced by T.
Protein change: p.Thr1041Met; replaces threonine 1041 with methionine.
Molecular consequence: missense variant.
Genome position (GRCh38, 1-based): chr11:18,282,157, G>A on the plus strand (C>T on the coding strand, the complement: HPS5 is on the minus strand). VCF-style: chr11-18282157-G-A. GRCh37 (hg19) VCF-style: chr11-18303704-G-A.
Other names: c.2780C>T, p.Thr927Met (NM_007216.4, NM_181508.2); short protein forms T1041M, T927M.
Identifiers: ClinVar variation 1502999 (VCV001502999.5), dbSNP rs371347052, ClinGen allele CA218575332.

ClinVar aggregate classification (germline): Uncertain significance. Review status: criteria provided, multiple submitters, no conflicts (2 of 4 stars). 2 submissions from 2 submitters: Uncertain significance (2). Last evaluated 2025-08-28.

Conditions:
Inborn genetic diseases. Identifiers: MedGen C0950123, MeSH D030342.

gnomAD v4.1: 21 of 1,614,118 alleles (0.0013%); highest among the groups gnomAD compares: East Asian, 0.0089%; no homozygotes.

Submissions (2):

Ambry Genetics
Classification: Uncertain significance for Inborn genetic diseases. Last evaluated: 2025-08-28. Review status: criteria provided, single submitter. Criteria: Ambry Variant Classification Scheme 2023. Collection method: clinical testing. Allele origin: germline.

Labcorp Genetics (formerly Invitae), Labcorp
Classification: Uncertain significance. Last evaluated: 2025-04-08. Review status: criteria provided, single submitter. Criteria: Invitae Variant Classification Sherloc (09022015). Collection method: clinical testing. Allele origin: germline.
Comment: This sequence change replaces threonine, which is neutral and polar, with methionine, which is neutral and non-polar, at codon 1041 of the HPS5 protein (p.Thr1041Met). This variant is present in population databases (rs371347052, gnomAD 0.02%). This variant has not been reported in the literature in individuals affected with HPS5-related conditions. ClinVar contains an entry for this variant (Variation ID: 1502999). An algorithm developed to predict the effect of missense changes on protein structure and function (PolyPhen-2) suggests that this variant is likely to be tolerated. In summary, the available evidence is currently insufficient to determine the role of this variant in disease. Therefore, it has been classified as a Variant of Uncertain Significance.